The following is an entry in ClinVar:

ClinVar aggregate classification (germline): Pathogenic (1 of 4 stars; one submission).

Submission:

Labcorp Genetics (formerly Invitae), Labcorp
Classification: Pathogenic. Last evaluated: 2022-12-22. Review status: criteria provided, single submitter. Criteria: Invitae Variant Classification Sherloc (09022015). Collection method: clinical testing. Allele origin: germline.
Comment: This variant has not been reported in the literature in individuals affected with ABCA4-related conditions. This variant is not present in population databases (gnomAD no frequency). This sequence change creates a premature translational stop signal (p.Ile1809Tyrfs*8) in the ABCA4 gene. It is expected to result in an absent or disrupted protein product. Loss-of-function variants in ABCA4 are known to be pathogenic (PMID: 10958761, 24938718, 25312043, 26780318). For these reasons, this variant has been classified as Pathogenic.

Literature cited by the submitters: PubMed 10958761; PubMed 24938718; PubMed 25312043; PubMed 26780318.

NM_000350.3(ABCA4):c.5425_5426del (p.Ile1809fs)

Gene: ABCA4 (ATP binding cassette subfamily A member 4; minus strand). Cytogenetic location: 1p22.1.
Variant type: Deletion.
Coding change: c.5425_5426del on transcript NM_000350.3 (MANE Select); coding-DNA positions 5425 to 5426, 2 bases deleted (AT; older notation c.5425_5426delAT).
Protein change: p.Ile1809fs; shifts the reading frame from isoleucine 1809.
Molecular consequence: frameshift variant.
Genome position (GRCh38, 1-based): chr1:94,014,577-94,014,578, AT deleted on the plus strand (AT on the coding strand, the reverse complement: ABCA4 is on the minus strand); deleting any 2 consecutive bases within chr1:94,014,577-94,014,579 gives the same sequence; the c. name uses the placement nearest the transcript's 3' end. VCF-style (leftmost placement, unchanged base first): chr1-94014576-AAT-A. GRCh37 (hg19) VCF-style: chr1-94480132-AAT-A.
Other names: c.5202_5203delTA, p.Ile1735Tyrfs (NM_001425324.1); short protein forms I1809fs.
Identifiers: ClinVar variation 2823304 (VCV002823304.3), dbSNP rs2523668539, ClinGen allele CA2739272663.